The following is an entry in ClinVar:

ClinVar aggregate classification (germline): Benign/Likely benign. Review status: criteria provided, multiple submitters, no conflicts (2 of 4 stars). 5 submissions from 5 submitters: Benign (1); Likely benign (3). 1 of the submissions does not count toward it. Last evaluated 2026-01-27.

Conditions:
ITGB2-related disorder. Also called: ITGB2-related condition.
Leukocyte adhesion deficiency 1 (LAD1). Also called: LAD 1; Lymphocyte function-associated antigen 1 immunodeficiency; LFA 1 immunodeficiency; LEUKOCYTE ADHESION DEFICIENCY, TYPE I. Identifiers: Orphanet 2968, Orphanet 99842, MedGen C0398738, MONDO:0007293, OMIM 116920.

Allele frequency attached by ClinVar (database versions not stated): gnomAD exomes 0.00022 and 0.00055; ExAC 0.00064; ESP Exome Variant Server 0.00192; gnomAD 0.00222 and 0.00235; 1000 Genomes Project 30x 0.00265; 1000 Genomes Project 0.00280; TOPMed 0.00283.
gnomAD v4.1: 689 of 1,614,062 alleles (0.043%); highest among the groups gnomAD compares: African/African-American, 0.74%; 5 homozygotes.

Submissions (5):

Labcorp Genetics (formerly Invitae), Labcorp
Classification: Benign for Leukocyte adhesion deficiency 1. Last evaluated: 2026-01-27. Review status: criteria provided, single submitter. Criteria: Invitae Variant Classification Sherloc (09022015). Collection method: clinical testing. Allele origin: germline.

Blueprint Genetics
Classification: Likely benign. Last evaluated: 2024-11-13. Review status: criteria provided, single submitter. Criteria: ACMG Guidelines, 2015. Collection method: clinical testing. Allele origin: germline.

Illumina Laboratory Services, Illumina
Classification: Likely benign for Leukocyte adhesion deficiency 1. Last evaluated: 2018-01-13. Review status: criteria provided, single submitter. Criteria: ICSL Variant Classification Criteria 13 December 2019. Collection method: clinical testing. Allele origin: germline.
Comment: This variant was observed in the ICSL laboratory as part of a predisposition screen in an ostensibly healthy population. It had not been previously curated by ICSL or reported in the Human Gene Mutation Database (HGMD: prior to June 1st, 2018), and was therefore a candidate for classification through an automated scoring system. Utilizing variant allele frequency, disease prevalence and penetrance estimates, and inheritance mode, an automated score was calculated to assess if this variant is too frequent to cause the disease. Based on the score and internal cut-off values, a variant classified as likely benign is not then subjected to further curation. The score for this variant resulted in a classification of likely benign for this disease.

Breakthrough Genomics
Classification: Likely benign. Review status: criteria provided, single submitter. Criteria: ACMG Guidelines, 2015. Collection method: not provided. Allele origin: germline. Inheritance: Autosomal recessive inheritance. Affected: yes.

PreventionGenetics, part of Exact Sciences
Classification: Benign for ITGB2-related condition. Last evaluated: 2019-10-10. Review status: no assertion criteria provided. Collection method: clinical testing. Allele origin: germline. Not counted in ClinVar's aggregate classification.
Comment: This variant is classified as benign based on ACMG/AMP sequence variant interpretation guidelines (Richards et al. 2015 PMID: 25741868, with internal and published modifications).

NM_000211.5(ITGB2):c.807C>T (p.Phe269=)

Gene: ITGB2 (integrin subunit beta 2; minus strand). Cytogenetic location: 21q22.3.
Variant type: single nucleotide variant.
Coding change: c.807C>T on transcript NM_000211.5 (MANE Select); coding-DNA position 807, C replaced by T.
Protein change: p.Phe269=; no amino-acid change (phenylalanine 269 retained).
Molecular consequence: synonymous variant.
Genome position (GRCh38, 1-based): chr21:44,900,410, G>A on the plus strand (C>T on the coding strand, the complement: ITGB2 is on the minus strand). VCF-style: chr21-44900410-G-A. GRCh37 (hg19) VCF-style: chr21-46320325-G-A.
Other names: c.807C>T, p.Phe269= (NM_001127491.3); c.600C>T, p.Phe200= (NM_001303238.2).
Identifiers: ClinVar variation 530691 (VCV000530691.19), dbSNP rs142381225, ClinGen allele CA10063058.